The following is an entry in ClinVar:

NC_000017.10:g.(?_62481825)_(62493086_?)dup

Gene: POLG2 (DNA polymerase gamma 2, accessory subunit; minus strand). Cytogenetic location: 17q23.3.
Variant type: Duplication.
Identifiers: ClinVar variation 2425702 (VCV002425702.4).

ClinVar aggregate classification (germline): Uncertain significance (1 of 4 stars; one submission).

Submission:

Labcorp Genetics (formerly Invitae), Labcorp
Classification: Uncertain significance. Last evaluated: 2022-04-09. Review status: criteria provided, single submitter. Criteria: Invitae Variant Classification Sherloc (09022015). Collection method: clinical testing. Allele origin: germline.
Comment: This variant results in a copy number gain of the genomic region encompassing exon(s) 1-5 of the POLG2 gene. This region includes the initiator codon of the gene. This copy number gain extends beyond the assayed region for this gene and therefore may encompass additional genes. As the precise location of this event is unknown, it may be in tandem or it may be located elsewhere in the genome. This variant has not been reported in the literature in individuals affected with POLG2-related conditions. In summary, the available evidence is currently insufficient to determine the role of this variant in disease. Therefore, it has been classified as a Variant of Uncertain Significance.